The following is an entry in ClinVar:

NM_000059.4(BRCA2):c.7911_7912insGAAA (p.Phe2638fs)

Gene: BRCA2 (BRCA2 DNA repair associated; plus strand). Cytogenetic location: 13q13.1.
Variant type: Insertion.
Coding change: c.7911_7912insGAAA on transcript NM_000059.4 (MANE Select); coding-DNA positions 7911 to 7912, GAAA inserted.
Protein change: p.Phe2638fs; shifts the reading frame from phenylalanine 2638.
Molecular consequence: frameshift variant.
Genome position: GRCh38 VCF-style: chr13-32362628-C-CGAAA. GRCh37 (hg19) VCF-style: chr13-32936765-C-CGAAA.
Other names: 8139_8140insGAAA; short protein forms F2638fs.
Identifiers: ClinVar variation 267042 (VCV000267042.5), dbSNP rs886040735, ClinGen allele CA10589457.
Genomic context (GRCh38, chr13:32,362,628, plus strand): 5'-AATTTGGGTTTATAATCACTATAGATGGATCATATGGAAACTGGCAGCTATGGAATGTGC[C>CGAAA]TTTCCTAAGGAATTTGCTAATAGATGCCTAAGCCCAGAAAGGGTGCTTCTTCAACTAAAA-3'

ClinVar aggregate classification (germline): Pathogenic. Review status: reviewed by expert panel (3 of 4 stars). 2 submissions from 2 submitters: Pathogenic (1). 1 of the submissions does not count toward it. Last evaluated 2016-10-18.

Conditions:
Breast-ovarian cancer, familial, susceptibility to, 2 (BROVCA2). Also called: BRCA2 Hereditary Breast and Ovarian Cancer. Identifiers: Orphanet 145, MedGen C2675520, MONDO:0012933, OMIM 612555. Disease mechanism: loss of function.

Submissions (2):

Evidence-based Network for the Interpretation of Germline Mutant Alleles (ENIGMA)
Classification: Pathogenic for Breast-ovarian cancer, familial, susceptibility to, 2. Last evaluated: 2016-10-18. Review status: reviewed by expert panel. Criteria: ENIGMA BRCA1/2 Classification Criteria (2015). Collection method: curation. Allele origin: germline.
Comment: Variant allele predicted to encode a truncated non-functional protein.

Consortium of Investigators of Modifiers of BRCA1/2 (CIMBA), c/o University of Cambridge
Classification: Pathogenic for Breast-ovarian cancer, familial, susceptibility to, 2. Last evaluated: 2015-10-02. Review status: criteria provided, single submitter. Criteria: CIMBA Mutation Classification guidelines May 2016. Collection method: clinical testing. Allele origin: germline. Not counted in ClinVar's aggregate classification.